The following is an entry in ClinVar:

ClinVar aggregate classification (germline): Benign. Review status: criteria provided, multiple submitters, no conflicts (2 of 4 stars). 8 submissions from 8 submitters: Benign (5). 3 of the submissions do not count toward it. Last evaluated 2026-01-24.

Conditions:
Epidermolysis bullosa simplex 5C, with pyloric atresia (EBS5C). Also called: PLEC-Related Epidermolysis Bullosa with Pyloric Atresia; Epidermolysis bullosa simplex with pyloric atresia; PLEC1-Related Epidermolysis Bullosa with Pyloric Atresia. Identifiers: Orphanet 158684, MedGen C2677349, MONDO:0012807, OMIM 612138.
Epidermolysis bullosa simplex with nail dystrophy (EBS5D). Identifiers: MedGen C4225309, MONDO:0014661, OMIM 616487.
Epidermolysis bullosa simplex, Ogna type (EBS5A). Also called: Pidermolysis bullosa simplex 5A, Ogna type; EPIDERMOLYSIS BULLOSA SIMPLEX 5A, OGNA TYPE. Identifiers: Orphanet 79401, MedGen C0432317, MONDO:0007555, OMIM 131950.
Autosomal recessive limb-girdle muscular dystrophy type 2Q (LGMDR17). Also called: MUSCULAR DYSTROPHY, LIMB-GIRDLE, AUTOSOMAL RECESSIVE 17. Identifiers: Orphanet 254361, MedGen C3150989, MONDO:0013390, OMIM 613723.
Epidermolysis bullosa simplex 5B, with muscular dystrophy (EBS5B). Also called: Epidermolysis bullosa simplex with muscular dystrophy; EPIDERMOLYSIS BULLOSA SIMPLEX AND LIMB-GIRDLE MUSCULAR DYSTROPHY. Identifiers: Orphanet 257, MedGen C2931072, MONDO:0009181, OMIM 226670.

Allele frequency attached by ClinVar (database versions not stated): ESP Exome Variant Server 0.00060; gnomAD 0.00069 and 0.00143; TOPMed 0.00096; gnomAD exomes 0.00205 and 0.00365; ExAC 0.00397; 1000 Genomes Project 0.00419; 1000 Genomes Project 30x 0.00422.
gnomAD v4.1: 3,276 of 1,612,696 alleles (0.2%); highest among the groups gnomAD compares: South Asian, 2.3%; 39 homozygotes.

Submissions (8):

Labcorp Genetics (formerly Invitae), Labcorp
Classification: Benign for Autosomal recessive limb-girdle muscular dystrophy type 2Q; Epidermolysis bullosa simplex, Ogna type; Epidermolysis bullosa simplex with nail dystrophy; Epidermolysis bullosa simplex 5C, with pyloric atresia; Epidermolysis bullosa simplex 5B, with muscular dystrophy. Last evaluated: 2026-01-24. Review status: criteria provided, single submitter. Criteria: Invitae Variant Classification Sherloc (09022015). Collection method: clinical testing. Allele origin: germline.

Athena Diagnostics
Classification: Benign. Last evaluated: 2021-06-02. Review status: criteria provided, single submitter. Criteria: Athena Diagnostics criteria. Collection method: clinical testing. Allele origin: unknown.

GeneDx
Classification: Benign. Last evaluated: 2017-03-03. Review status: criteria provided, single submitter. Criteria: GeneDx Variant Classification (06012015). Collection method: clinical testing. Allele origin: germline. Affected: yes.
Comment: This variant is considered likely benign or benign based on one or more of the following criteria: it is a conservative change, it occurs at a poorly conserved position in the protein, it is predicted to be benign by multiple in silico algorithms, and/or has population frequency not consistent with disease.

Eurofins Ntd Llc (ga)
Classification: Benign. Last evaluated: 2015-06-16. Review status: criteria provided, single submitter. Criteria: EGL Classification Definitions 2015. Collection method: clinical testing. Allele origin: germline. Observed: 1 variant allele, 1 heterozygote.

Breakthrough Genomics
Classification: Benign. Review status: criteria provided, single submitter. Criteria: ACMG Guidelines, 2015. Collection method: not provided. Allele origin: germline. Inheritance: Autosomal recessive inheritance. Affected: yes.

Clinical Genetics DNA and cytogenetics Diagnostics Lab, Erasmus MC, Erasmus Medical Center
Classification: Benign. Review status: no assertion criteria provided. Collection method: clinical testing. Allele origin: germline. Affected: yes. Study: VKGL Data-share Consensus. Not counted in ClinVar's aggregate classification.

Genome Diagnostics Laboratory, University Medical Center Utrecht
Classification: Benign. Review status: no assertion criteria provided. Collection method: clinical testing. Allele origin: germline. Affected: yes. Study: VKGL Data-share Consensus. Not counted in ClinVar's aggregate classification.

Laboratory of Diagnostic Genome Analysis, Leiden University Medical Center (LUMC)
Classification: Likely benign. Review status: no assertion criteria provided. Collection method: clinical testing. Allele origin: germline. Affected: yes. Study: VKGL Data-share Consensus. Not counted in ClinVar's aggregate classification.

NM_201384.3(PLEC):c.11208G>A (p.Pro3736=)

Gene: PLEC (plectin; minus strand). Cytogenetic location: 8q24.3.
Variant type: single nucleotide variant.
Coding change: c.11208G>A on transcript NM_201384.3 (MANE Select); coding-DNA position 11208, G replaced by A.
Protein change: p.Pro3736=; no amino-acid change (proline 3736 retained).
Molecular consequence: synonymous variant.
Genome position (GRCh38, 1-based): chr8:143,918,613, C>T on the plus strand (G>A on the coding strand, the complement: PLEC is on the minus strand). VCF-style: chr8-143918613-C-T. GRCh37 (hg19) VCF-style: chr8-144992781-C-T.
Other names: c.11289G>A, p.Pro3763= (NM_000445.5); c.11166G>A, p.Pro3722= (NM_201378.4); c.11142G>A, p.Pro3714= (NM_201379.3); c.11619G>A, p.Pro3873= (NM_201380.4); c.11112G>A, p.Pro3704= (NM_201381.3); c.11208G>A, p.Pro3736= (NM_201382.4); c.11220G>A, p.Pro3740= (NM_201383.3).
Identifiers: ClinVar variation 167504 (VCV000167504.20), dbSNP rs200273549, ClinGen allele CA234616.